The following is an entry in ClinVar:

ClinVar aggregate classification (germline): Pathogenic. Review status: criteria provided, multiple submitters, no conflicts (2 of 4 stars). 2 submissions from 2 submitters: Pathogenic (2). Last evaluated 2022-04-28.

Conditions:
Early-infantile DEE. Also called: Early infantile epileptic encephalopathy; Ohtahara syndrome; Early infantile epileptic encephalopathy with suppression bursts. Identifiers: Orphanet 1934, MedGen C0393706, MONDO:0800491.
Severe myoclonic epilepsy in infancy (DRVT). Also called: Epileptic encephalopathy, early infantile, 6 (Dravet syndrome); SEVERE MYOCLONIC EPILEPSY OF INFANCY; DEVELOPMENTAL AND EPILEPTIC ENCEPHALOPATHY 6A; Severe Myoclonic Epilepsy in Infancy (SMEI); Dravet syndrome. Identifiers: Orphanet 33069, MedGen C0751122, MONDO:0100135, OMIM 607208.

Submissions (2):

Labcorp Genetics (formerly Invitae), Labcorp
Classification: Pathogenic for Early-infantile DEE. Last evaluated: 2022-04-28. Review status: criteria provided, single submitter. Criteria: Invitae Variant Classification Sherloc (09022015). Collection method: clinical testing. Allele origin: germline.
Comment: This sequence change replaces proline, which is neutral and non-polar, with threonine, which is neutral and polar, at codon 1451 of the SCN1A protein (p.Pro1451Thr). This variant is not present in population databases (gnomAD no frequency). This missense change has been observed in individual(s) with SCN1A-related conditions (PMID: 25754450, 26096185). Advanced modeling of protein sequence and biophysical properties (such as structural, functional, and spatial information, amino acid conservation, physicochemical variation, residue mobility, and thermodynamic stability) performed at Invitae indicates that this missense variant is expected to disrupt SCN1A protein function. ClinVar contains an entry for this variant (Variation ID: 189843). This variant disrupts the p.Pro1451 amino acid residue in SCN1A. Other variant(s) that disrupt this residue have been determined to be pathogenic (PMID: 17054684; Invitae). This suggests that this residue is clinically significant, and that variants that disrupt this residue are likely to be disease-causing. For these reasons, this variant has been classified as Pathogenic.

Center for Bioinformatics, Peking University
Classification: Pathogenic for Dravet syndrome. Last evaluated: 2014-12-20. Review status: criteria provided, single submitter. Criteria: Xu et al. (Hum Mutat. 2015). Collection method: research. Allele origin: paternal. Affected: yes. Observed: 2 variant alleles. Study: University Clinical Cooperation “985 Project” PKU-2014-1-1.
Comment: Dravet syndrome (DS) probands were recruited from the outpatient and inpatient child neurology units of Peking University First Hospital from 2005 till present. The study was approved by the Ethics Committee of Peking University First Hospital and the Institutional Review Board at Peking University. Participants or their parents provided written informed consent before enrollment. We collected a total of 267 mutations from 255 families with probands diagnosed with DS in China. All probands fulfilled the clinical diagnostic criteria.

Literature cited by the submitters: PubMed 25754450 (cited by Labcorp Genetics (formerly Invitae), Labcorp); PubMed 26096185 (cited by Labcorp Genetics (formerly Invitae), Labcorp); PubMed 17054684 (cited by Labcorp Genetics (formerly Invitae), Labcorp).

NM_001165963.4(SCN1A):c.4351C>A (p.Pro1451Thr)

Genes: SCN1A (sodium voltage-gated channel alpha subunit 1; minus strand), LOC102724058 (uncharacterized LOC102724058; plus strand). Cytogenetic location: 2q24.3.
Variant type: single nucleotide variant.
Coding change: c.4351C>A on transcript NM_001165963.4 (MANE Select); coding-DNA position 4351, C replaced by A.
Protein change: p.Pro1451Thr; replaces proline 1451 with threonine.
Molecular consequence: missense variant. On other transcripts: non-coding transcript variant (1).
Genome position (GRCh38, 1-based): chr2:165,998,163, G>T on the plus strand (C>A on the coding strand, the complement: SCN1A is on the minus strand). VCF-style: chr2-165998163-G-T. GRCh37 (hg19) VCF-style: chr2-166854673-G-T.
Other names: c.4267C>A, p.Pro1423Thr (NM_001165964.3, NM_001353957.2, NM_001353958.2); c.4351C>A, p.Pro1451Thr (NM_001202435.3, NM_001353948.2); c.4318C>A, p.Pro1440Thr (NM_001353949.2, NM_001353950.2, NM_001353951.2 and 2 more transcripts); c.4315C>A, p.Pro1439Thr (NM_001353954.2, NM_001353955.2); c.4264C>A, p.Pro1422Thr (NM_001353960.2); c.1909C>A, p.Pro637Thr (NM_001353961.2); short protein forms P1440T, P1451T, P1422T, P637T, P1439T, P1423T.
Identifiers: ClinVar variation 189843 (VCV000189843.6), dbSNP rs794726696, ClinGen allele CA303087.
Genomic context (GRCh38, chr2:165,998,163, plus strand): 5'-ACCCAAAGATGATGAAAATAACAAAGTAAAGATACATGTACAGACTTTCTTCATACTTAG[G>T]CTGGAGTTCCACCTACCAAAGGGGAATATTTTGTAAAATATTACCATACATTTTAGTGCT-3'
Protein context (NP_001159435.1, residues 1441-1461): AVDSRNVELQ[Pro1451Thr]KYEESLYMYL